The following is an entry in ClinVar:

NM_006059.4(LAMC3):c.2440G>A (p.Gly814Arg)

Gene: LAMC3 (laminin subunit gamma 3; plus strand). Cytogenetic location: 9q34.12.
Variant type: single nucleotide variant.
Coding change: c.2440G>A on transcript NM_006059.4 (MANE Select); coding-DNA position 2440, G replaced by A.
Protein change: p.Gly814Arg; replaces glycine 814 with arginine.
Molecular consequence: missense variant.
Genome position (GRCh38, 1-based): chr9:131,067,052, G>A. VCF-style: chr9-131067052-G-A. GRCh37 (hg19) VCF-style: chr9-133942439-G-A.
Other names: c.2440G>A (NM_006059.3); short protein forms G814R.
Identifiers: ClinVar variation 1903781 (VCV001903781.4), dbSNP rs529385350, ClinGen allele CA200663112.

ClinVar aggregate classification (germline): Uncertain significance. Review status: criteria provided, multiple submitters, no conflicts (2 of 4 stars). 3 submissions from 3 submitters: Uncertain significance (3). Last evaluated 2025-11-13.

Conditions:
Inborn genetic diseases. Identifiers: MedGen C0950123, MeSH D030342.

Allele frequency attached by ClinVar (database versions not stated): TOPMed 0.00001; gnomAD exomes 0.00002; gnomAD 0.00002.
gnomAD v4.1: 31 of 1,614,068 alleles (0.0019%); highest among the groups gnomAD compares: East Asian, 0.0022%; no homozygotes.

Submissions (3):

Ambry Genetics
Classification: Uncertain significance for Inborn genetic diseases. Last evaluated: 2025-11-13. Review status: criteria provided, single submitter. Criteria: Ambry Variant Classification Scheme 2023. Collection method: clinical testing. Allele origin: germline.

GeneDx
Classification: Uncertain significance. Last evaluated: 2023-06-24. Review status: criteria provided, single submitter. Criteria: GeneDx Variant Classification Process June 2021. Collection method: clinical testing. Allele origin: germline. Affected: yes.
Comment: Not observed at significant frequency in large population cohorts (gnomAD); In silico analysis supports that this missense variant has a deleterious effect on protein structure/function; Has not been previously published as pathogenic or benign to our knowledge

Labcorp Genetics (formerly Invitae), Labcorp
Classification: Uncertain significance. Last evaluated: 2022-08-19. Review status: criteria provided, single submitter. Criteria: Invitae Variant Classification Sherloc (09022015). Collection method: clinical testing. Allele origin: germline.
Comment: This sequence change replaces glycine, which is neutral and non-polar, with arginine, which is basic and polar, at codon 814 of the LAMC3 protein (p.Gly814Arg). This variant is present in population databases (rs529385350, gnomAD 0.005%). This variant has not been reported in the literature in individuals affected with LAMC3-related conditions. Algorithms developed to predict the effect of missense changes on protein structure and function output the following: SIFT: "Tolerated"; PolyPhen-2: "Possibly Damaging"; Align-GVGD: "Class C0". The arginine amino acid residue is found in multiple mammalian species, which suggests that this missense change does not adversely affect protein function. In summary, the available evidence is currently insufficient to determine the role of this variant in disease. Therefore, it has been classified as a Variant of Uncertain Significance.